The following is an entry in ClinVar:

NM_001360.3(DHCR7):c.356A>T (p.His119Leu)

Gene: DHCR7 (7-dehydrocholesterol reductase; minus strand). Cytogenetic location: 11q13.4.
Variant type: single nucleotide variant.
Coding change: c.356A>T on transcript NM_001360.3 (MANE Select); coding-DNA position 356, A replaced by T.
Protein change: p.His119Leu; replaces histidine 119 with leucine.
Molecular consequence: missense variant.
Genome position (GRCh38, 1-based): chr11:71,442,319, T>A on the plus strand (A>T on the coding strand, the complement: DHCR7 is on the minus strand). VCF-style: chr11-71442319-T-A. GRCh37 (hg19) VCF-style: chr11-71153365-T-A.
Other names: c.356A>T, p.His119Leu (NM_001163817.2); short protein forms H119L.
Identifiers: ClinVar variation 6780 (VCV000006780.17), dbSNP rs28938174, ClinGen allele CA253936.
Genomic context (GRCh38, chr11:71,442,319, plus strand): 5'-CTACCTGCAGGAGTCACGGCCCCCTCCTGGATGCCTCCTACGTAGCCGGGTAGAAACTTA[T>A]GGCAGAAGTCAGGGAGAGACGTGTACAGAAGCACCTGAAACACACAAGCAGCCTGATCAC-3'
Protein context (NP_001351.2, residues 109-129): LLYTSLPDFC[His119Leu]KFLPGYVGGI

ClinVar aggregate classification (germline): Conflicting classifications of pathogenicity. Review status: criteria provided, conflicting classifications (1 of 4 stars). 8 submissions from 8 submitters: Pathogenic (2); Likely pathogenic (4); Uncertain significance (1). 1 of the submissions does not count toward it. Last evaluated 2026-04-22.

Conditions:
DHCR7-related disorder. Also called: DHCR7-related condition.
Smith-Lemli-Opitz syndrome (SLOS). Also called: POLYDACTYLY, SEX REVERSAL, RENAL HYPOPLASIA, AND UNILOBAR LUNG; RSH SYNDROME; RUTLEDGE LETHAL MULTIPLE CONGENITAL ANOMALY SYNDROME; 7-Dehydrocholesterol reductase deficiency; LETHAL ACRODYSGENITAL SYNDROME. Identifiers: Orphanet 818, MedGen C0175694, MONDO:0010035, OMIM 270400.

gnomAD v4.1: 23 of 1,613,796 alleles (0.0014%); highest among the groups gnomAD compares: Non-Finnish European, 0.0019%; no homozygotes.

Submissions (8):

PreventionGenetics, part of Exact Sciences
Classification: Pathogenic for DHCR7-related condition. Last evaluated: 2026-04-22. Review status: criteria provided, single submitter. Criteria: ACMG Guidelines, 2015. Collection method: clinical testing. Allele origin: germline.
Comment: The DHCR7 c.356A>T variant is predicted to result in the amino acid substitution p.His119Leu. This variant has been reported to be causative for Smith-Lemli-Opitz Syndrome (Waterham et al. 1998. PubMed ID: 9683613; Witsch-Baumgartner et al. 2001. PubMed ID: 11175299; Jezela-Stanek et al. 2008. PubMed ID: 18249054). This variant is reported in 0.00088% of alleles in individuals of European (Non-Finnish) descent in gnomAD. This variant is interpreted as pathogenic.

Myriad Genetics, Inc.
Classification: Uncertain significance for Smith-Lemli-Opitz syndrome. Last evaluated: 2026-01-28. Review status: criteria provided, single submitter. Criteria: Myriad Autosomal Dominant, Autosomal Recessive and X-Linked Classification Criteria (2023). Collection method: clinical testing. Allele origin: unknown.
Comment: NM_001360.2(DHCR7):c.356A>T(H119L) is a missense variant classified as a variant of uncertain significance in the context of Smith-Lemli-Opitz syndrome. H119L has been observed in cases with relevant disease (PMID: 9683613, 12818773, 11175299, Rossi_2006_(Thesis)). Relevant functional assessments of this variant are not available in the literature. H119L has been observed in referenced population frequency databases. In summary, there is insufficient evidence to classify NM_001360.2(DHCR7):c.356A>T(H119L) as pathogenic or benign. Please note: this variant was assessed in the context of healthy population screening.

GeneDx
Classification: Likely pathogenic. Last evaluated: 2025-10-02. Review status: criteria provided, single submitter. Criteria: GeneDx Variant Classification Process June 2021. Collection method: clinical testing. Allele origin: germline. Affected: yes.
Comment: Not observed at significant frequency in large population cohorts (gnomAD); In silico analysis supports that this missense variant has a deleterious effect on protein structure/function; This variant is associated with the following publications: (PMID: 11241839, 25525159, 11427181, 9683613)

Women's Health and Genetics/Laboratory Corporation of America, LabCorp
Classification: Likely pathogenic for Smith-Lemli-Opitz syndrome. Last evaluated: 2025-09-25. Review status: criteria provided, single submitter. Criteria: LabCorp Variant Classification Summary - May 2015. Collection method: clinical testing. Allele origin: germline.
Comment: Variant summary: DHCR7 c.356A>T (p.His119Leu) results in a non-conservative amino acid change in the encoded protein sequence. Algorithms developed to predict the effect of missense changes on protein structure and function all suggest that this variant is likely to be disruptive. The variant allele was found at a frequency of 4e-06 in 250946 control chromosomes. c.356A>T has been observed in individual(s) affected with Smith-Lemli-Opitz Syndrome(Waterham_1998, Witsch-Baumgartner_2001). These data indicate that the variant may be associated with disease. To our knowledge, no experimental evidence demonstrating an impact on protein function has been reported. The following publications have been ascertained in the context of this evaluation (PMID: 9683613, 11175299). ClinVar contains an entry for this variant (Variation ID: 6780). Based on the evidence outlined above, the variant was classified as likely pathogenic.

Natera, Inc.
Classification: Likely pathogenic for Smith-Lemli-Opitz syndrome. Last evaluated: 2025-08-15. Review status: criteria provided, single submitter. Criteria: Natera Variant Classification Schema (03/2026). Collection method: clinical testing. Allele origin: germline.
Comment: The c.356A>T variant in DHCR7 is a missense variant predicted to cause substitution of histidine to leucine at amino acid 119. This variant is rare in the general population with a frequency below the threshold expected for the associated phenotype(s). This variant has been observed in one or more individuals affected with the associated recessive disease, as either homozygous or compound heterozygous with a second variant (PMID: 9683613). This variant has been identified in one or more affected individuals with a phenotype highly consistent with the associated gene (PMID: 9683613). Computational prediction algorithms indicate this variant is likely to affect gene or protein function. Given the available evidence, this variant is classified as Likely Pathogenic.

Fulgent Genetics
Classification: Likely pathogenic for Smith-Lemli-Opitz syndrome. Last evaluated: 2024-02-13. Review status: criteria provided, single submitter. Criteria: ACMG Guidelines, 2015. Collection method: clinical testing. Allele origin: germline.

Labcorp Genetics (formerly Invitae), Labcorp
Classification: Pathogenic for Smith-Lemli-Opitz syndrome. Last evaluated: 2022-09-02. Review status: criteria provided, single submitter. Criteria: Invitae Variant Classification Sherloc (09022015). Collection method: clinical testing. Allele origin: germline.
Comment: Advanced modeling of protein sequence and biophysical properties (such as structural, functional, and spatial information, amino acid conservation, physicochemical variation, residue mobility, and thermodynamic stability) performed at Invitae indicates that this missense variant is expected to disrupt DHCR7 protein function. ClinVar contains an entry for this variant (Variation ID: 6780). This missense change has been observed in individual(s) with Smith-Lemli-Opitz syndrome (PMID: 9683613). In at least one individual the data is consistent with being in trans (on the opposite chromosome) from a pathogenic variant. This variant is present in population databases (rs28938174, gnomAD 0.0009%). This sequence change replaces histidine, which is basic and polar, with leucine, which is neutral and non-polar, at codon 119 of the DHCR7 protein (p.His119Leu). For these reasons, this variant has been classified as Pathogenic.

OMIM
Classification: Pathogenic for SMITH-LEMLI-OPITZ SYNDROME. Last evaluated: 1998-08-01. Review status: no assertion criteria provided. Collection method: literature only. Allele origin: germline. Not counted in ClinVar's aggregate classification.

Literature cited by the submitters: PubMed 11175299 (cited by Women's Health and Genetics/Laboratory Corporation of America, LabCorp); PubMed 9683613 (cited by 3 submitters); Waterham, H. R., Wijburg, F. A., Hennekam, R. C. M., Vreken, P., Poll-The, B. T., Dorland, L., Duran, M., Jira, P. E., Smeitink, J. A. M., Wevers, R. A., Wanders, R. J. A. Smith-Lemli-Opitz syndrome is caused by mutations in the 7-dehydrocholesterol reductase gene. Am. J. Hum. Genet. 63: 329-338, 1998. (cited by OMIM).